The following is an entry in ClinVar:

ClinVar aggregate classification (germline): Pathogenic (1 of 4 stars; one submission).

Submission:

Labcorp Genetics (formerly Invitae), Labcorp
Classification: Pathogenic. Last evaluated: 2023-08-14. Review status: criteria provided, single submitter. Criteria: Invitae Variant Classification Sherloc (09022015). Collection method: clinical testing. Allele origin: germline.
Comment: This sequence change creates a premature translational stop signal (p.Gln249*) in the PEX3 gene. It is expected to result in an absent or disrupted protein product. Loss-of-function variants in PEX3 are known to be pathogenic (PMID: 10942428, 21031596). This variant is not present in population databases (gnomAD no frequency). This variant has not been reported in the literature in individuals affected with PEX3-related conditions. Algorithms developed to predict the effect of sequence changes on RNA splicing suggest that this variant may disrupt the consensus splice site. For these reasons, this variant has been classified as Pathogenic.

Literature cited by the submitters: PubMed 10942428; PubMed 21031596.

NM_003630.3(PEX3):c.745C>T (p.Gln249Ter)

Gene: PEX3 (peroxisomal biogenesis factor 3; plus strand). Cytogenetic location: 6q24.2.
Variant type: single nucleotide variant.
Coding change: c.745C>T on transcript NM_003630.3 (MANE Select); coding-DNA position 745, C replaced by T.
Protein change: p.Gln249Ter; replaces glutamine 249 with a stop codon.
Molecular consequence: nonsense.
Genome position (GRCh38, 1-based): chr6:143,472,326, C>T. VCF-style: chr6-143472326-C-T. GRCh37 (hg19) VCF-style: chr6-143793463-C-T.
Other names: short protein forms Q249*.
Identifiers: ClinVar variation 2752280 (VCV002752280.3), dbSNP rs2537199126, ClinGen allele CA365912751.
Genomic context (GRCh38, chr6:143,472,326, plus strand): 5'-GGATCCAAACCTTTATTATGCCATTATATGATGCCAGATGAAGAAACTCCATTAGCAGTG[C>T]AGGTGCTTAATTCATAACCATTTAACCAAACCAGTTACTCTATTCTTTTAAAATTTTACT-3'